The following is an entry in ClinVar:

ClinVar aggregate classification (germline): Likely pathogenic (1 of 4 stars; one submission).

Conditions:
Usher syndrome type 2A. Also called: RETINAL DISEASE IN USHER SYNDROME TYPE IIA, MODIFIER OF; USHER SYNDROME, TYPE IIA. Identifiers: Orphanet 231178, Orphanet 886, MedGen C1848634, MONDO:0010169, OMIM 276901.

Submission:

Myriad Genetics, Inc.
Classification: Likely pathogenic for Usher syndrome type 2A. Last evaluated: 2022-01-24. Review status: criteria provided, single submitter. Criteria: Myriad Women's Health Autosomal Recessive and X-Linked Classification Criteria (2021). Collection method: clinical testing. Allele origin: unknown.
Comment: NM_206933.2(USH2A):c.2683C>T(Q895*) is expected to be pathogenic in the context of USH2A-related disorders. This variant is predicted to lead to an abnormal or absent protein product due to the creation of a premature termination codon in USH2A, a gene where loss-of-function variants are known to be pathogenic. Please note: this variant was assessed in the context of healthy population screening.

NM_206933.4(USH2A):c.2683C>T (p.Gln895Ter)

Genes: USH2A (usherin; minus strand), LOC122152296 (Sharpr-MPRA regulatory region 8762; plus strand). Cytogenetic location: 1q41.
Variant type: single nucleotide variant.
Coding change: c.2683C>T on transcript NM_206933.4 (MANE Select); coding-DNA position 2683, C replaced by T.
Protein change: p.Gln895Ter; replaces glutamine 895 with a stop codon.
Molecular consequence: nonsense.
Genome position (GRCh38, 1-based): chr1:216,246,711, G>A on the plus strand (C>T on the coding strand, the complement: USH2A is on the minus strand). VCF-style: chr1-216246711-G-A. GRCh37 (hg19) VCF-style: chr1-216420053-G-A.
Other names: c.2683C>T, p.Gln895Ter (NM_007123.6); short protein forms Q895*.
Identifiers: ClinVar variation 1724052 (VCV001724052.2), dbSNP rs2528161607, ClinGen allele CA344864266.